The following is an entry in ClinVar:

NM_000059.4(BRCA2):c.4363G>T (p.Glu1455Ter)

Gene: BRCA2 (BRCA2 DNA repair associated; plus strand). Cytogenetic location: 13q13.1.
Variant type: single nucleotide variant.
Coding change: c.4363G>T on transcript NM_000059.4 (MANE Select); coding-DNA position 4363, G replaced by T.
Protein change: p.Glu1455Ter; replaces glutamic acid 1455 with a stop codon.
Molecular consequence: nonsense.
Genome position (GRCh38, 1-based): chr13:32,338,718, G>T. VCF-style: chr13-32338718-G-T. GRCh37 (hg19) VCF-style: chr13-32912855-G-T.
Other names: short protein forms E1455*.
Identifiers: ClinVar variation 630553 (VCV000630553.24), dbSNP rs1566230144, ClinGen allele CA387780978.
Genomic context (GRCh38, chr13:32,338,718, plus strand): 5'-AATATTAGTGTCGCCAAAGAGTCATTTAATAAAATTGTAAATTTCTTTGATCAGAAACCA[G>T]AAGAATTGCATAACTTTTCCTTAAATTCTGAATTACATTCTGACATAAGAAAGAACAAAA-3'

ClinVar aggregate classification (germline): Pathogenic. Review status: criteria provided, multiple submitters, no conflicts (2 of 4 stars). 9 submissions from 9 submitters: Pathogenic (9). Last evaluated 2025-11-10.

Conditions:
Pancreatic cancer, susceptibility to, 2. Identifiers: Orphanet 1333, MedGen C3150546, MONDO:0013235, OMIM 613347.
Breast-ovarian cancer, familial, susceptibility to, 2 (BROVCA2). Also called: BRCA2 Hereditary Breast and Ovarian Cancer. Identifiers: Orphanet 145, MedGen C2675520, MONDO:0012933, OMIM 612555. Disease mechanism: loss of function.
Hereditary cancer-predisposing syndrome. Also called: Hereditary Cancer Syndrome; Hereditary neoplastic syndrome; Tumor predisposition; Neoplastic Syndromes, Hereditary. Identifiers: Orphanet 140162, MedGen C0027672, MeSH D009386, MONDO:0015356.
Hereditary breast ovarian cancer syndrome. Also called: Hereditary breast and/or ovarian cancer syndrome; BRCA1- and BRCA2-Associated Hereditary Breast and Ovarian Cancer; Hereditary breast and ovarian cancer syndrome; Hereditary breast and ovarian cancer; Hereditary breast and ovarian cancer syndrome (HBOC); Breast and ovarian cancer. Identifiers: Orphanet 145, MedGen C0677776, MeSH D061325, MONDO:0003582. Disease mechanism: loss of function.
Wilms tumor 1 (WT1). Also called: Wilms tumor, somatic. Identifiers: Orphanet 654, MedGen CN033288, MONDO:0008679, OMIM 194070.
Glioma susceptibility 3 (GLM3). Also called: Glioblastoma 3. Identifiers: Orphanet 182067, Orphanet 360, MedGen C2751641, MONDO:0013093, OMIM 613029.
Familial prostate cancer. Also called: Hereditary Prostate Cancer. Identifiers: MedGen C2931456, MONDO:0700275, OMIM 176807.
Familial cancer of breast. Also called: Hereditary breast cancer; BREAST CANCER, FAMILIAL; hereditary breast carcinoma. Identifiers: Orphanet 227535, MedGen C0346153, MONDO:0016419, OMIM 114480. Disease mechanism: loss of function.
Medulloblastoma (MDB). Also called: MEDULLOBLASTOMA PREDISPOSITION SYNDROME; Medulloblastoma, somatic. Identifiers: Orphanet 616, MedGen C0025149, MeSH D008527, MONDO:0007959, OMIM 155255, HP:0002885.
Fanconi anemia complementation group D1. Also called: BRCA2-Related Fanconi Anemia. Identifiers: Orphanet 319462, MedGen C1838457, MONDO:0011584, OMIM 605724.

Submissions (9):

Ambry Genetics
Classification: Pathogenic for Hereditary cancer-predisposing syndrome. Last evaluated: 2025-11-10. Review status: criteria provided, single submitter. Criteria: Ambry Variant Classification Scheme 2023. Collection method: clinical testing. Allele origin: germline.
Comment: The p.E1455* pathogenic mutation (also known as c.4363G>T), located in coding exon 10 of the BRCA2 gene, results from a G to T substitution at nucleotide position 4363. This changes the amino acid from a glutamic acid to a stop codon within coding exon 10. This variant is considered to be rare based on population cohorts in the Genome Aggregation Database (gnomAD). This alteration is expected to result in loss of function by premature protein truncation or nonsense-mediated mRNA decay. As such, this alteration is interpreted as a disease-causing mutation.

Molecular Pathology, Peter Maccallum Cancer Centre
Classification: Pathogenic for Breast-ovarian cancer, familial, susceptibility to, 2. Last evaluated: 2024-04-14. Review status: criteria provided, single submitter. Criteria: ACMG Guidelines, 2015. Collection method: clinical testing. Allele origin: germline. Inheritance: Autosomal dominant inheritance.

Labcorp Genetics (formerly Invitae), Labcorp
Classification: Pathogenic for Hereditary breast ovarian cancer syndrome. Last evaluated: 2024-01-05. Review status: criteria provided, single submitter. Criteria: Invitae Variant Classification Sherloc (09022015). Collection method: clinical testing. Allele origin: germline.
Comment: This sequence change creates a premature translational stop signal (p.Glu1455*) in the BRCA2 gene. It is expected to result in an absent or disrupted protein product. Loss-of-function variants in BRCA2 are known to be pathogenic (PMID: 20104584). This variant is not present in population databases (gnomAD no frequency). This premature translational stop signal has been observed in individual(s) with hereditary breast and/or ovarian cancer and prostate cancer (PMID: 27989354, 29020660, 30078507, 30702160). ClinVar contains an entry for this variant (Variation ID: 630553). For these reasons, this variant has been classified as Pathogenic.

Baylor Genetics
Classification: Pathogenic for Familial cancer of breast. Last evaluated: 2023-11-04. Review status: criteria provided, single submitter. Criteria: ACMG Guidelines, 2015. Collection method: clinical testing. Allele origin: unknown.

Department of Pathology and Laboratory Medicine, Sinai Health System
Classification: Pathogenic for Pancreatic cancer, susceptibility to, 2. Last evaluated: 2022-11-29. Review status: criteria provided, single submitter. Criteria: ACMG Guidelines, 2015. Collection method: clinical testing. Allele origin: germline. Affected: yes.

Quest Diagnostics Nichols Institute San Juan Capistrano
Classification: Pathogenic. Last evaluated: 2021-06-16. Review status: criteria provided, single submitter. Criteria: Quest Diagnostics criteria. Collection method: clinical testing. Allele origin: unknown.
Comment: This nonsense variant causes the premature termination of BRCA2 protein synthesis. In addition, it has been reported in individuals with breast and/or ovarian cancer in the published literature (PMIDs: 27989354 (2017), 29020660 (2017), 30078507 (2018), and 30702160 (2019)). Based on the available information, this variant is classified as pathogenic.

Women's Health and Genetics/Laboratory Corporation of America, LabCorp
Classification: Pathogenic for Hereditary breast ovarian cancer syndrome. Last evaluated: 2021-04-05. Review status: criteria provided, single submitter. Criteria: LabCorp Variant Classification Summary - May 2015. Collection method: clinical testing. Allele origin: germline.
Comment: Variant summary: BRCA2 c.4363G>T (p.Glu1455X) results in a premature termination codon, predicted to cause a truncation of the encoded protein or absence of the protein due to nonsense mediated decay, which are commonly known mechanisms for disease. Truncations downstream of this position have been classified as pathogenic by our laboratory. The variant was absent in 243274 control chromosomes. c.4363G>T has been reported in the literature in individuals affected with Hereditary Breast And Ovarian Cancer Syndrome (example, Santonocito_2017, Na_2017, Li_2018, Bhaskaran_2019). These data indicate that the variant is likely to be associated with disease. To our knowledge, no experimental evidence demonstrating an impact on protein function has been reported. Two clinical diagnostic laboratories have submitted clinical-significance assessments for this variant to ClinVar after 2014 without evidence for independent evaluation. All laboratories classified the variant as pathogenic. Based on the evidence outlined above, the variant was classified as pathogenic.

Color Diagnostics, LLC DBA Color Health
Classification: Pathogenic for Hereditary cancer-predisposing syndrome. Last evaluated: 2020-09-15. Review status: criteria provided, single submitter. Criteria: ACMG Guidelines, 2015. Collection method: clinical testing. Allele origin: germline.
Comment: This variant changes 1 nucleotide in exon 11 of the BRCA2 gene, creating a premature translation stop signal. This variant is expected to result in an absent or non-functional protein product. This variant has been reported in an individual affected with breast cancer, ovarian cancer, and prostate cancer (PMID: 27989354, 29020660, 30078507, 30702160). This variant has not been identified in the general population by the Genome Aggregation Database (gnomAD). Loss of BRCA2 function is a known mechanism of disease. Based on the available evidence, this variant is classified as Pathogenic.

Juno Genomics, Hangzhou Juno Genomics, Inc
Classification: Pathogenic for Wilms tumor 1; Familial cancer of breast; Breast-ovarian cancer, familial, susceptibility to, 2; Glioma susceptibility 3; Medulloblastoma; Pancreatic cancer, susceptibility to, 2; Familial prostate cancer; Fanconi anemia complementation group D1. Review status: criteria provided, single submitter. Criteria: ACMG Guidelines, 2015. Collection method: clinical testing. Allele origin: germline.
Comment: Absent from controls (or at extremely low frequency if recessive) in Genome Aggregation Database.;Null variant in a gene where loss of function (LOF) is a known mechanism of disease.;Novel missense change at an amino acid residue where a different missense change determined to be pathogenic has been seen before.;The prevalence of the variant in affected individuals is significantly increased compared to the prevalence in controls.

Literature cited by the submitters: PubMed 20104584 (cited by Labcorp Genetics (formerly Invitae), Labcorp); PubMed 27989354 (cited by 3 submitters); PubMed 29020660 (cited by 3 submitters); PubMed 30078507 (cited by 3 submitters); PubMed 30702160 (cited by 3 submitters).